The following is an entry in ClinVar:

ClinVar aggregate classification (germline): Likely benign (1 of 4 stars; one submission).

gnomAD v4.1: 16 of 1,207,731 alleles (0.0013%); highest among the groups gnomAD compares: Admixed American, 0.024%; no homozygotes.

Submission:

CeGaT Center for Human Genetics Tuebingen
Classification: Likely benign. Last evaluated: 2026-03-01. Review status: criteria provided, single submitter. Criteria: CeGaT Center For Human Genetics Tuebingen Variant Classification Criteria Version 2. Collection method: clinical testing. Allele origin: germline. Affected: yes. Observed: 1 variant allele.
Comment: CCDC22: BP4, BS2

NM_014008.5(CCDC22):c.1307G>A (p.Arg436Gln)

Gene: CCDC22 (CCC complex scaffolding subunit CCDC22; plus strand). Cytogenetic location: Xp11.23.
Variant type: single nucleotide variant.
Coding change: c.1307G>A on transcript NM_014008.5 (MANE Select); coding-DNA position 1307, G replaced by A.
Protein change: p.Arg436Gln; replaces arginine 436 with glutamine.
Molecular consequence: missense variant.
Genome position (GRCh38, 1-based): chrX:49,248,501, G>A. VCF-style: chrX-49248501-G-A. GRCh37 (hg19) VCF-style: chrX-49104962-G-A.
Other names: short protein forms R436Q.
Identifiers: ClinVar variation 4821654 (VCV004821654.4).